The following is an entry in ClinVar:

NM_005448.2(BMP15):c.1011C>T (p.His337=)

Gene: BMP15 (bone morphogenetic protein 15; plus strand). Cytogenetic location: Xp11.22.
Variant type: single nucleotide variant.
Coding change: c.1011C>T on transcript NM_005448.2 (MANE Select); coding-DNA position 1011, C replaced by T.
Protein change: p.His337=; no amino-acid change (histidine 337 retained).
Molecular consequence: synonymous variant.
Genome position (GRCh38, 1-based): chrX:50,916,439, C>T. VCF-style: chrX-50916439-C-T. GRCh37 (hg19) VCF-style: chrX-50659439-C-T.
Identifiers: ClinVar variation 368541 (VCV000368541.11), dbSNP rs151223850, ClinGen allele CA10416634.

ClinVar aggregate classification (germline): Benign. Review status: criteria provided, multiple submitters, no conflicts (2 of 4 stars). 3 submissions from 3 submitters: Benign (3). Last evaluated 2019-12-31.

Conditions:
Ovarian dysgenesis 2 (ODG2). Also called: OVARIAN DYSGENESIS, HYPERGONADOTROPIC, X-LINKED; OVARIAN FAILURE, HYPERGONADOTROPIC, DUE TO OVARIAN DYSGENESIS. Identifiers: Orphanet 243, MedGen C1845294, MONDO:0010349, OMIM 300510.

Allele frequency attached by ClinVar (database versions not stated): gnomAD exomes 0.00063 and 0.00128; ExAC 0.00153; 1000 Genomes Project 30x 0.00187; 1000 Genomes Project 0.00212; gnomAD 0.00378 and 0.00411; TOPMed 0.00418; ESP Exome Variant Server 0.00473.
gnomAD v4.1: 1,129 of 1,208,690 alleles (0.093%); highest among the groups gnomAD compares: African/African-American, 1.2%; 3 homozygotes.

Submissions (3):

Labcorp Genetics (formerly Invitae), Labcorp
Classification: Benign. Last evaluated: 2019-12-31. Review status: criteria provided, single submitter. Criteria: Invitae Variant Classification Sherloc (09022015). Collection method: clinical testing. Allele origin: germline.

GeneDx
Classification: Benign. Last evaluated: 2018-08-21. Review status: criteria provided, single submitter. Criteria: GeneDx Variant Classification Process June 2021. Collection method: clinical testing. Allele origin: germline. Affected: yes.

Illumina Laboratory Services, Illumina
Classification: Benign for Ovarian dysgenesis 2. Last evaluated: 2018-01-12. Review status: criteria provided, single submitter. Criteria: ICSL Variant Classification Criteria 13 December 2019. Collection method: clinical testing. Allele origin: germline.
Comment: This variant was observed in the ICSL laboratory as part of a predisposition screen in an ostensibly healthy population. It had not been previously curated by ICSL or reported in the Human Gene Mutation Database (HGMD: prior to June 1st, 2018), and was therefore a candidate for classification through an automated scoring system. Utilizing variant allele frequency, disease prevalence and penetrance estimates, and inheritance mode, an automated score was calculated to assess if this variant is too frequent to cause the disease. Based on the score and internal cut-off values, a variant classified as benign is not then subjected to further curation. The score for this variant resulted in a classification of benign for this disease.